The following is an entry in ClinVar:

ClinVar aggregate classification (germline): Likely pathogenic (1 of 4 stars; one submission).

Conditions:
Intellectual developmental disorder with macrocephaly, seizures, and speech delay. Identifiers: MedGen C4748428, MONDO:0032568, OMIM 618158.

Submission:

Human Genetics Bochum, Ruhr University Bochum
Classification: Likely pathogenic for Intellectual developmental disorder with macrocephaly, seizures, and speech delay. Last evaluated: 2024-06-13. Review status: criteria provided, single submitter. Criteria: ACMG Guidelines, 2015. Collection method: clinical testing. Allele origin: germline. Affected: yes.
Comment: ACMG criteria used to clasify this variant: PVS1, PM2_SUP

NM_002576.5(PAK1):c.209_212del (p.Lys70fs)

Gene: PAK1 (p21 (RAC1) activated kinase 1; minus strand). Cytogenetic location: 11q13.5.
Variant type: Deletion.
Coding change: c.209_212del on transcript NM_002576.5 (MANE Select); coding-DNA positions 209 to 212, 4 bases deleted (AAGA; older notation c.209_212delAAGA).
Protein change: p.Lys70fs; shifts the reading frame from lysine 70.
Molecular consequence: frameshift variant. On other transcripts: 5 prime UTR variant (2), non-coding transcript variant (2), intron variant (2).
Genome position (GRCh38, 1-based): chr11:77,379,973-77,379,976, TCTT deleted on the plus strand (AAGA on the coding strand, the reverse complement: PAK1 is on the minus strand); deleting any 4 consecutive bases within chr11:77,379,973-77,379,979 gives the same sequence; the c. name uses the placement nearest the transcript's 3' end. VCF-style (leftmost placement, unchanged base first): chr11-77379972-CTCTT-C. GRCh37 (hg19) VCF-style: chr11-77091017-CTCTT-C.
Other names: c.-86_-83del (NM_001376305.1, NM_001376302.1); c.-3-588_-3-585del (NM_001376304.1); c.191-5611_191-5608del (NM_001376301.1); c.209_212del, p.Lys70fs (NM_001128620.2, NM_001376268.1, NM_001376269.1 and 27 more transcripts); short protein forms K70fs.
Identifiers: ClinVar variation 4687954 (VCV004687954.1).